The following is an entry in ClinVar:

ClinVar aggregate classification (germline): Uncertain significance (1 of 4 stars; one submission).

Conditions:
Tuberous sclerosis 2 (TSC2). Identifiers: Orphanet 805, MedGen C1860707, MONDO:0013199, OMIM 613254.

Submission:

Labcorp Genetics (formerly Invitae), Labcorp
Classification: Uncertain significance for Tuberous sclerosis 2. Last evaluated: 2022-08-19. Review status: criteria provided, single submitter. Criteria: Invitae Variant Classification Sherloc (09022015). Collection method: clinical testing. Allele origin: germline.
Comment: In summary, the available evidence is currently insufficient to determine the role of this variant in disease. Therefore, it has been classified as a Variant of Uncertain Significance. Advanced modeling of protein sequence and biophysical properties (such as structural, functional, and spatial information, amino acid conservation, physicochemical variation, residue mobility, and thermodynamic stability) performed at Invitae indicates that this missense variant is not expected to disrupt TSC2 protein function. This variant has not been reported in the literature in individuals affected with TSC2-related conditions. This variant is not present in population databases (gnomAD no frequency). This sequence change replaces proline, which is neutral and non-polar, with serine, which is neutral and polar, at codon 744 of the TSC2 protein (p.Pro744Ser).

NM_000548.5(TSC2):c.2230C>T (p.Pro744Ser)

Gene: TSC2 (TSC complex subunit 2; plus strand). Cytogenetic location: 16p13.3.
Variant type: single nucleotide variant.
Coding change: c.2230C>T on transcript NM_000548.5 (MANE Select); coding-DNA position 2230, C replaced by T.
Protein change: p.Pro744Ser; replaces proline 744 with serine.
Molecular consequence: missense variant.
Genome position (GRCh38, 1-based): chr16:2,072,858, C>T. VCF-style: chr16-2072858-C-T. GRCh37 (hg19) VCF-style: chr16-2122859-C-T.
Other names: c.2230C>T, p.Pro744Ser (NM_001077183.3, NM_001114382.3, NM_001363528.2 and 6 more transcripts); c.2119C>T, p.Pro707Ser (NM_001318827.2, NM_001406670.1, NM_001406678.1); c.2083C>T, p.Pro695Ser (NM_001318829.2, NM_001406675.1, NM_001406676.1 and 1 more transcripts); c.1630C>T, p.Pro544Ser (NM_001318831.2, NM_001406685.1, NM_001406686.1 and 6 more transcripts); c.2263C>T, p.Pro755Ser (NM_001318832.2); c.2320C>T, p.Pro774Ser (NM_001406667.1, NM_001406668.1); c.2218C>T, p.Pro740Ser (NM_001406671.1, NM_001406673.1); c.886C>T, p.Pro296Ser (NM_001406689.1, NM_001406690.1, NM_001406691.1 and 6 more transcripts); and 3 more; short protein forms P210S, P296S, P544S, P590S, P695S, P707S, P725S, P740S.
Identifiers: ClinVar variation 1717008 (VCV001717008.5), dbSNP rs1596350020, ClinGen allele CA394276215.
Genomic context (GRCh38, chr16:2,072,858, plus strand): 5'-CCCGTGACCTGGCCGCTGGGGAGAGGTTTCATGCCTGGATTTGGTCATCAGCTTTCAGGC[C>T]CAAAGACACTGGAGCGGCTCCGAGGCGCCCCAGAAGGCTTCTCCAGAACTGACTTGCACC-3'
Protein context (NP_000539.2, residues 734-754): CSALCSMLSG[Pro744Ser]KTLERLRGAP